The following is an entry in ClinVar:

ClinVar aggregate classification (germline): Uncertain significance (1 of 4 stars; one submission).

Conditions:
Inborn genetic diseases. Identifiers: MedGen C0950123, MeSH D030342.

Allele frequency attached by ClinVar (database versions not stated): gnomAD 0.00001; gnomAD exomes 0.00001; TOPMed 0.00001; ESP Exome Variant Server 0.00008.
gnomAD v4.1: 20 of 1,614,028 alleles (0.0012%); highest among the groups gnomAD compares: Non-Finnish European, 0.0017%; no homozygotes.

Submission:

Ambry Genetics
Classification: Uncertain significance for Inborn genetic diseases. Last evaluated: 2021-07-14. Review status: criteria provided, single submitter. Criteria: Ambry Variant Classification Scheme 2023. Collection method: clinical testing. Allele origin: germline.
Comment: The p.L165V variant (also known as c.493C>G), located in coding exon 2 of the FGD4 gene, results from a C to G substitution at nucleotide position 493. The leucine at codon 165 is replaced by valine, an amino acid with highly similar properties. This amino acid position is conserved. In addition, this alteration is predicted to be tolerated by in silico analysis. Since supporting evidence is limited at this time, the clinical significance of this alteration remains unclear.

NM_001370298.3(FGD4):c.904C>G (p.Leu302Val)

Gene: FGD4 (FYVE, RhoGEF and PH domain containing 4; plus strand). Cytogenetic location: 12p11.21.
Variant type: single nucleotide variant.
Coding change: c.904C>G on transcript NM_001370298.3 (MANE Select); coding-DNA position 904, C replaced by G.
Protein change: p.Leu302Val; replaces leucine 302 with valine.
Molecular consequence: missense variant. On other transcripts: 5 prime UTR variant (2), non-coding transcript variant (1), intron variant (1).
Genome position (GRCh38, 1-based): chr12:32,582,360, C>G. VCF-style: chr12-32582360-C-G. GRCh37 (hg19) VCF-style: chr12-32735294-C-G.
Other names: c.748C>G, p.Leu250Val (NM_001304481.2); c.-352C>G (NM_001304483.2); c.-659C>G (NM_001304484.2); c.214C>G, p.Leu72Val (NM_001330373.2, NM_001330374.2, NM_001384130.1); c.904C>G, p.Leu302Val (NM_001384126.1); c.493C>G, p.Leu165Val (NM_001384127.1, NM_001384128.1, NM_001384131.1 and 3 more transcripts); c.49-16137C>G (NM_001370297.1); short protein forms L165V, L302V, L250V, L72V.
Identifiers: ClinVar variation 1744255 (VCV001744255.2), dbSNP rs376977755, ClinGen allele CA235437944.